The following is an entry in ClinVar:

ClinVar aggregate classification (germline): Uncertain significance. Review status: criteria provided, multiple submitters, no conflicts (2 of 4 stars). 2 submissions from 2 submitters: Uncertain significance (2). Last evaluated 2025-05-05.

Conditions:
Cataract 38. Also called: Cataract, autosomal recessive congenital 5; Cataract 38, autosomal recessive. Identifiers: Orphanet 91492, MedGen C3553494, MONDO:0013859, OMIM 614691.
Sengers syndrome. Also called: MITOCHONDRIAL DNA DEPLETION SYNDROME 10 (CARDIOMYOPATHIC TYPE); Cardiomyopathy and cataract. Identifiers: Orphanet 1369, MedGen C1859317, MONDO:0008922, OMIM 212350.
Inborn genetic diseases. Identifiers: MedGen C0950123, MeSH D030342.

Allele frequency attached by ClinVar (database versions not stated): gnomAD 0.00001; gnomAD exomes 0.00001; ExAC 0.00002; TOPMed 0.00002.
gnomAD v4.1: 22 of 1,613,756 alleles (0.0014%); highest among the groups gnomAD compares: Non-Finnish European, 0.0018%; no homozygotes.

Submissions (2):

Ambry Genetics
Classification: Uncertain significance for Inborn genetic diseases. Last evaluated: 2025-05-05. Review status: criteria provided, single submitter. Criteria: Ambry Variant Classification Scheme 2023. Collection method: clinical testing. Allele origin: germline.

Labcorp Genetics (formerly Invitae), Labcorp
Classification: Uncertain significance for Sengers syndrome; Cataract 38. Last evaluated: 2021-12-19. Review status: criteria provided, single submitter. Criteria: Invitae Variant Classification Sherloc (09022015). Collection method: clinical testing. Allele origin: germline.
Comment: In summary, the available evidence is currently insufficient to determine the role of this variant in disease. Therefore, it has been classified as a Variant of Uncertain Significance. Algorithms developed to predict the effect of missense changes on protein structure and function are either unavailable or do not agree on the potential impact of this missense change (SIFT: "Deleterious"; PolyPhen-2: "Probably Damaging"; Align-GVGD: "Class C15"). This variant has not been reported in the literature in individuals affected with AGK-related conditions. This variant is present in population databases (rs776417280, gnomAD 0.002%). This sequence change replaces alanine, which is neutral and non-polar, with valine, which is neutral and non-polar, at codon 71 of the AGK protein (p.Ala71Val).

NM_018238.4(AGK):c.212C>T (p.Ala71Val)

Gene: AGK (acylglycerol kinase; plus strand). Cytogenetic location: 7q34.
Variant type: single nucleotide variant.
Coding change: c.212C>T on transcript NM_018238.4 (MANE Select); coding-DNA position 212, C replaced by T.
Protein change: p.Ala71Val; replaces alanine 71 with valine.
Molecular consequence: missense variant.
Genome position (GRCh38, 1-based): chr7:141,596,632, C>T. VCF-style: chr7-141596632-C-T. GRCh37 (hg19) VCF-style: chr7-141296432-C-T.
Other names: c.212C>T (NM_018238.3); c.212C>T, p.Ala71Val (NM_001364948.3); short protein forms A71V.
Identifiers: ClinVar variation 1963122 (VCV001963122.4), dbSNP rs776417280, ClinGen allele CA4517347.